The following is an entry in ClinVar:

ClinVar aggregate classification (germline): Likely benign. Review status: criteria provided, multiple submitters, no conflicts (2 of 4 stars). 2 submissions from 2 submitters: Likely benign (2). Last evaluated 2023-12-24.

Conditions:
Purine-nucleoside phosphorylase deficiency. Also called: NUCLEOSIDE PHOSPHORYLASE DEFICIENCY; Immunodeficiency due to purine nucleoside phosphorylase deficiency. Identifiers: Orphanet 760, MedGen C0268125, MONDO:0013171, OMIM 613179.

Allele frequency attached by ClinVar (database versions not stated): gnomAD exomes 0.00001 and 0.00002; ExAC 0.00002.
gnomAD v4.1: 12 of 1,614,202 alleles (0.00074%); highest among the groups gnomAD compares: Non-Finnish European, 0.00093%; no homozygotes.

Submissions (2):

Labcorp Genetics (formerly Invitae), Labcorp
Classification: Likely benign for Purine-nucleoside phosphorylase deficiency. Last evaluated: 2023-12-24. Review status: criteria provided, single submitter. Criteria: Invitae Variant Classification Sherloc (09022015). Collection method: clinical testing. Allele origin: germline.

CeGaT Center for Human Genetics Tuebingen
Classification: Likely benign. Last evaluated: 2022-03-01. Review status: criteria provided, single submitter. Criteria: CeGaT Center For Human Genetics Tuebingen Variant Classification Criteria Version 2. Collection method: clinical testing. Allele origin: germline. Affected: yes. Observed: 1 variant allele.
Comment: PNP: BP4

NM_000270.4(PNP):c.391C>T (p.Leu131=)

Gene: PNP (purine nucleoside phosphorylase; plus strand). Cytogenetic location: 14q11.2.
Variant type: single nucleotide variant.
Coding change: c.391C>T on transcript NM_000270.4 (MANE Select); coding-DNA position 391, C replaced by T.
Protein change: p.Leu131=; no amino-acid change (leucine 131 retained).
Molecular consequence: synonymous variant.
Genome position (GRCh38, 1-based): chr14:20,474,878, C>T. VCF-style: chr14-20474878-C-T. GRCh37 (hg19) VCF-style: chr14-20943037-C-T.
Identifiers: ClinVar variation 1675532 (VCV001675532.36), dbSNP rs763897658, ClinGen allele CA7082108.